The following is an entry in ClinVar:

ClinVar aggregate classification (germline): Uncertain significance (1 of 4 stars; one submission).

Conditions:
Duchenne muscular dystrophy (DMD). Also called: MUSCULAR DYSTROPHY, PSEUDOHYPERTROPHIC PROGRESSIVE, DUCHENNE TYPE; Duchenne Muscular Dystrophy (DMD). Identifiers: Orphanet 98896, MedGen C0013264, MONDO:0010679, OMIM 310200.

Submission:

Labcorp Genetics (formerly Invitae), Labcorp
Classification: Uncertain significance for Duchenne muscular dystrophy. Last evaluated: 2021-11-21. Review status: criteria provided, single submitter. Criteria: Invitae Variant Classification Sherloc (09022015). Collection method: clinical testing. Allele origin: germline.
Comment: This sequence change replaces glycine, which is neutral and non-polar, with valine, which is neutral and non-polar, at codon 331 of the DMD protein (p.Gly331Val). This variant is not present in population databases (gnomAD no frequency). This variant has not been reported in the literature in individuals affected with DMD-related conditions. Algorithms developed to predict the effect of missense changes on protein structure and function are either unavailable or do not agree on the potential impact of this missense change (SIFT: "Tolerated"; PolyPhen-2: "Probably Damaging"; Align-GVGD: "Class C0"). In summary, the available evidence is currently insufficient to determine the role of this variant in disease. Therefore, it has been classified as a Variant of Uncertain Significance.

NM_004006.3(DMD):c.992G>T (p.Gly331Val)

Gene: DMD (dystrophin; minus strand). Cytogenetic location: Xp21.1.
Variant type: single nucleotide variant.
Coding change: c.992G>T on transcript NM_004006.3 (MANE Select); coding-DNA position 992, G replaced by T.
Protein change: p.Gly331Val; replaces glycine 331 with valine.
Molecular consequence: missense variant.
Genome position (GRCh38, 1-based): chrX:32,645,121, C>A on the plus strand (G>T on the coding strand, the complement: DMD is on the minus strand). VCF-style: chrX-32645121-C-A. GRCh37 (hg19) VCF-style: chrX-32663238-C-A.
Other names: c.968G>T, p.Gly323Val (NM_000109.4); c.980G>T, p.Gly327Val (NM_004009.3); c.623G>T, p.Gly208Val (NM_004010.3); short protein forms G323V, G331V, G327V, G208V.
Identifiers: ClinVar variation 1365778 (VCV001365778.4), dbSNP rs2146835386, ClinGen allele CA412662321.